The following is an entry in ClinVar:

ClinVar aggregate classification (germline): Uncertain significance (1 of 4 stars; one submission).

Conditions:
Alstrom syndrome (ALMS). Identifiers: Orphanet 64, MedGen C0268425, MONDO:0008763, OMIM 203800.

Allele frequency attached by ClinVar (database versions not stated): gnomAD exomes below 0.00001; TOPMed below 0.00001; gnomAD 0.00001.
gnomAD v4.1: 5 of 1,613,800 alleles (0.00031%); highest among the groups gnomAD compares: Non-Finnish European, 0.00042%; no homozygotes.

Submission:

Labcorp Genetics (formerly Invitae), Labcorp
Classification: Uncertain significance for Alstrom syndrome. Last evaluated: 2022-05-17. Review status: criteria provided, single submitter. Criteria: Invitae Variant Classification Sherloc (09022015). Collection method: clinical testing. Allele origin: germline.
Comment: This sequence change replaces glycine, which is neutral and non-polar, with arginine, which is basic and polar, at codon 1670 of the ALMS1 protein (p.Gly1670Arg). This variant is not present in population databases (gnomAD no frequency). This variant has not been reported in the literature in individuals affected with ALMS1-related conditions. Experimental studies and prediction algorithms are not available or were not evaluated, and the functional significance of this variant is currently unknown. In summary, the available evidence is currently insufficient to determine the role of this variant in disease. Therefore, it has been classified as a Variant of Uncertain Significance.

NM_001378454.1(ALMS1):c.5005G>A (p.Gly1669Arg)

Gene: ALMS1 (ALMS1 centrosome and basal body associated protein; plus strand). Cytogenetic location: 2p13.1.
Variant type: single nucleotide variant.
Coding change: c.5005G>A on transcript NM_001378454.1 (MANE Select); coding-DNA position 5005, G replaced by A.
Protein change: p.Gly1669Arg; replaces glycine 1669 with arginine.
Molecular consequence: missense variant.
Genome position (GRCh38, 1-based): chr2:73,451,532, G>A. VCF-style: chr2-73451532-G-A. GRCh37 (hg19) VCF-style: chr2-73678659-G-A.
Other names: c.5008G>A, p.Gly1670Arg (NM_015120.4); short protein forms G1670R, G1669R.
Identifiers: ClinVar variation 1992838 (VCV001992838.2), dbSNP rs1471048301, ClinGen allele CA347279714.
Genomic context (GRCh38, chr2:73,451,532, plus strand): 5'-GGACCAGCTGACCAGAAGACTGAGACATTACCAGTACATTCTACTAGCTACTCAAATAGG[G>A]GGAAGCCTGTCATTTTCTACCAGCAGACCCTATCAGACAGTCATTTACCTGAAGAAGCTC-3'
Protein context (NP_001365383.1, residues 1659-1679): PVHSTSYSNR[Gly1669Arg]KPVIFYQQTL